The following is an entry in ClinVar:

ClinVar aggregate classification (germline): Benign/Likely benign. Review status: criteria provided, multiple submitters, no conflicts (2 of 4 stars). 4 submissions from 4 submitters: Benign (2); Likely benign (2). Last evaluated 2026-02-03.

Conditions:
Pancreatic adenocarcinoma. Identifiers: MedGen C0281361, MONDO:0006047, HP:0006725.

Allele frequency attached by ClinVar (database versions not stated): 1000 Genomes Project 30x 0.00031; TOPMed 0.00092; gnomAD exomes 0.00116 and 0.00126; ExAC 0.00150; gnomAD 0.00152 and 0.00160.
gnomAD v4.1: 1,952 of 1,526,406 alleles (0.13%); highest among the groups gnomAD compares: Non-Finnish European, 0.14%; 6 homozygotes.

Submissions (4):

Labcorp Genetics (formerly Invitae), Labcorp
Classification: Likely benign for Pancreatic adenocarcinoma. Last evaluated: 2026-02-03. Review status: criteria provided, single submitter. Criteria: Invitae Variant Classification Sherloc (09022015). Collection method: clinical testing. Allele origin: germline.

Blueprint Genetics
Classification: Likely benign. Last evaluated: 2024-11-19. Review status: criteria provided, single submitter. Criteria: ACMG Guidelines, 2015. Collection method: clinical testing. Allele origin: germline.

CeGaT Center for Human Genetics Tuebingen
Classification: Benign. Last evaluated: 2022-05-01. Review status: criteria provided, single submitter. Criteria: CeGaT Center For Human Genetics Tuebingen Variant Classification Criteria Version 2. Collection method: clinical testing. Allele origin: germline. Affected: yes. Observed: 1 variant allele.
Comment: PALLD: BS1, BS2

GeneDx
Classification: Benign. Last evaluated: 2014-01-14. Review status: criteria provided, single submitter. Criteria: GeneDx Variant Classification (06012015). Collection method: clinical testing. Allele origin: germline. Affected: yes.
Comment: This variant is considered likely benign or benign based on one or more of the following criteria: it is a conservative change, it occurs at a poorly conserved position in the protein, it is predicted to be benign by multiple in silico algorithms, and/or has population frequency not consistent with disease.

NM_001166108.2(PALLD):c.1965-12636G>A

Gene: PALLD (palladin, cytoskeletal associated protein; plus strand). Cytogenetic location: 4q32.3.
Variant type: single nucleotide variant.
Coding change: c.1965-12636G>A on transcript NM_001166108.2 (MANE Select); 12636 bases into the intron before coding-DNA position 1965, G replaced by A.
Molecular consequence: intron variant. On other transcripts: missense variant (1).
Genome position (GRCh38, 1-based): chr4:168,878,286, G>A. VCF-style: chr4-168878286-G-A. GRCh37 (hg19) VCF-style: chr4-169799437-G-A.
Other names: p.R132H:CGC>CAC; c.395G>A, p.Arg132His (NM_001166110.2); c.1965-12636G>A (NM_016081.4); c.819-12636G>A (NM_001166109.2); c.-157-12636G>A (NM_001367570.1, NM_001367568.1, NM_001367567.1 and 1 more transcripts); short protein forms R132H.
Identifiers: ClinVar variation 136006 (VCV000136006.35), dbSNP rs543821321, ClinGen allele CA299805.